The following is an entry in ClinVar:

ClinVar aggregate classification (germline): Likely benign (1 of 4 stars; one submission).

Allele frequency attached by ClinVar (database versions not stated): gnomAD 0.00733 and 0.00690; 1000 Genomes Project 30x 0.00750; TOPMed 0.00833; gnomAD exomes 0.00082; 1000 Genomes Project 0.00699.
gnomAD v4.1: 1,751 of 969,354 alleles (0.18%); highest among the groups gnomAD compares: African/African-American, 2.3%; 21 homozygotes.

Submission:

GeneDx
Classification: Likely benign. Last evaluated: 2018-06-16. Review status: criteria provided, single submitter. Criteria: GeneDx Variant Classification (06012015). Collection method: clinical testing. Allele origin: germline. Affected: yes.
Comment: This variant is considered likely benign or benign based on one or more of the following criteria: it is a conservative change, it occurs at a poorly conserved position in the protein, it is predicted to be benign by multiple in silico algorithms, and/or has population frequency not consistent with disease.

NM_006258.4(PRKG1):c.1963-92A>C

Gene: PRKG1 (protein kinase cGMP-dependent 1; plus strand). Cytogenetic location: 10q21.1.
Variant type: single nucleotide variant.
Coding change: c.1963-92A>C on transcript NM_006258.4 (MANE Select); 92 bases into the intron before coding-DNA position 1963, A replaced by C.
Molecular consequence: intron variant.
Genome position (GRCh38, 1-based): chr10:52,293,710, A>C. VCF-style: chr10-52293710-A-C. GRCh37 (hg19) VCF-style: chr10-54053470-A-C.
Other names: c.1918-92A>C (NM_001098512.3).
Identifiers: ClinVar variation 678632 (VCV000678632.1), dbSNP rs11001486, ClinGen allele CA207402112.
Genomic context (GRCh38, chr10:52,293,710, plus strand): 5'-TACTTACCACTGTGACCCTCAATACCTGCTACATAGTAGATACTCAATGAAATAGTCACT[A>C]ATAGGGAATAAATACAGAATGCACTTAAAAATTCCAGCTTGGAATTCCACTAAAAAAAAT-3'